The following is an entry in ClinVar:

ClinVar aggregate classification (germline): Uncertain significance (1 of 4 stars; one submission).

Conditions:
Hereditary cancer-predisposing syndrome. Also called: Tumor predisposition; Neoplastic Syndromes, Hereditary; Hereditary Cancer Syndrome; Hereditary neoplastic syndrome. Identifiers: Orphanet 140162, MedGen C0027672, MeSH D009386, MONDO:0015356.

Submission:

Ambry Genetics
Classification: Uncertain significance for Hereditary cancer-predisposing syndrome. Last evaluated: 2025-02-27. Review status: criteria provided, single submitter. Criteria: Ambry Variant Classification Scheme 2023. Collection method: clinical testing. Allele origin: germline.
Comment: The p.A765S variant (also known as c.2293G>T), located in coding exon 14 of the PMS2 gene, results from a G to T substitution at nucleotide position 2293. The alanine at codon 765 is replaced by serine, an amino acid with similar properties. This amino acid position is conserved. In addition, this alteration is predicted to be tolerated by in silico analysis. Based on the available evidence, the clinical significance of this variant remains unclear.

NM_000535.7(PMS2):c.2293G>T (p.Ala765Ser)

Gene: PMS2 (PMS1 homolog 2, mismatch repair system component; minus strand). Cytogenetic location: 7p22.1.
Variant type: single nucleotide variant.
Coding change: c.2293G>T on transcript NM_000535.7 (MANE Select); coding-DNA position 2293, G replaced by T.
Protein change: p.Ala765Ser; replaces alanine 765 with serine.
Molecular consequence: missense variant. On other transcripts: intron variant (2).
Genome position (GRCh38, 1-based): chr7:5,977,740, C>A on the plus strand (G>T on the coding strand, the complement: PMS2 is on the minus strand). VCF-style: chr7-5977740-C-A. GRCh37 (hg19) VCF-style: chr7-6017371-C-A.
Other names: c.1888G>T, p.Ala630Ser (NM_001322004.2, NM_001322005.2, NM_001406889.1 and 11 more transcripts); c.2137G>T, p.Ala713Ser (NM_001322006.2); c.1975G>T, p.Ala659Ser (NM_001322007.2, NM_001322008.2, NM_001406883.1); c.1921G>T, p.Ala641Ser (NM_001322009.2, NM_001406887.1, NM_001406888.1); c.1732G>T, p.Ala578Ser (NM_001322010.2, NM_001406906.1, NM_001406907.1); c.1360G>T, p.Ala454Ser (NM_001322011.2, NM_001322012.2); c.1720G>T, p.Ala574Ser (NM_001322013.2, NM_001406908.1, NM_001406909.1); c.2326G>T, p.Ala776Ser (NM_001322014.2); and 20 more; short protein forms A454S, A578S, A610S, A630S, A641S, A653S, A724S, A607S.
Identifiers: ClinVar variation 3891010 (VCV003891010.1).